The following is an entry in ClinVar:

ClinVar aggregate classification (germline): Pathogenic/Likely pathogenic. Review status: criteria provided, multiple submitters, no conflicts (2 of 4 stars). 6 submissions from 6 submitters: Pathogenic (5); Likely pathogenic (1). Last evaluated 2025-07-23.

Conditions:
Classic or attenuated familial adenomatous polyposis. Identifiers: MedGen CN372698, MONDO:0021057.
Hereditary cancer-predisposing syndrome. Also called: Hereditary Cancer Syndrome; Hereditary neoplastic syndrome; Tumor predisposition; Neoplastic Syndromes, Hereditary. Identifiers: Orphanet 140162, MedGen C0027672, MeSH D009386, MONDO:0015356.
Familial adenomatous polyposis 1 (FAP1). Also called: FAMILIAL ADENOMATOUS POLYPOSIS 1, ATTENUATED; POLYPOSIS, ADENOMATOUS INTESTINAL. Identifiers: MedGen C2713442, MONDO:0021056, OMIM 175100. Disease mechanism: loss of function.

Submissions (6):

GeneDx
Classification: Pathogenic. Last evaluated: 2025-07-23. Review status: criteria provided, single submitter. Criteria: GeneDx Variant Classification Process June 2021. Collection method: clinical testing. Allele origin: germline. Affected: yes.
Comment: Observed in relatives with APC-related cancers referred for genetic testing at GeneDx, and at least one of these cases has been published (PMID: 26681312); Not observed at significant frequency in large population cohorts (gnomAD); Frameshift variant predicted to result in protein truncation or nonsense mediated decay in a gene for which loss of function is a known mechanism of disease; This variant is associated with the following publications: (PMID: 27153395, 26681312)

Ambry Genetics
Classification: Pathogenic for Hereditary cancer-predisposing syndrome. Last evaluated: 2025-05-07. Review status: criteria provided, single submitter. Criteria: Ambry Variant Classification Scheme 2023. Collection method: clinical testing. Allele origin: germline.
Comment: The c.6383delC pathogenic mutation, located in coding exon 15 of the APC gene, results from a deletion of one nucleotide at nucleotide position 6383, causing a translational frameshift with a predicted alternate stop codon (p.A2128Vfs*11). This alteration occurs at the 3' terminus of theAPC gene, is not expected to trigger nonsense-mediated mRNA decay, and impacts the last 25.2% of the protein. However, premature stop codons are typically deleterious in nature and a significant portion of the protein is affected (Ambry internal data). This variant was reported in individual(s) with features consistent with APC-related familial adenomatous polyposis (Ambry internal data). This variant is considered to be rare based on population cohorts in the Genome Aggregation Database (gnomAD). Based on the supporting evidence, this variant is interpreted as a disease-causing mutation.

ARUP Laboratories, Molecular Genetics and Genomics, ARUP Laboratories
Classification: Likely pathogenic. Last evaluated: 2024-12-03. Review status: criteria provided, single submitter. Criteria: ARUP Molecular Germline Variant Investigation Process 2024. Collection method: clinical testing. Allele origin: germline.
Comment: The APC c.6383del; p.Ala2128ValfsTer11 variant (rs587779803, ClinVar Variation ID: 127311) is reported in the literature in an individual tested for colon cancer (Susswein 2016). This variant is absent from the Genome Aggregation Database (v2.1.1), indicating it is not a common polymorphism. This variant results in a premature termination codon in the last exon of the APC gene. While this may not lead to nonsense-mediated decay, it is expected to create a truncated protein. Based on available information, this variant is considered to be likely pathogenic. References: Susswein LR et al. Pathogenic and likely pathogenic variant prevalence among the first 10,000 patients referred for next-generation cancer panel testing. Genet Med. 2016 Aug;18(8):823-32. PMID: 26681312

Labcorp Genetics (formerly Invitae), Labcorp
Classification: Pathogenic for Familial adenomatous polyposis 1. Last evaluated: 2024-04-05. Review status: criteria provided, single submitter. Criteria: Invitae Variant Classification Sherloc (09022015). Collection method: clinical testing. Allele origin: germline.
Comment: This sequence change creates a premature translational stop signal (p.Ala2128Valfs*11) in the APC gene. While this is not anticipated to result in nonsense mediated decay, it is expected to disrupt the last 716 amino acid(s) of the APC protein. This variant is not present in population databases (gnomAD no frequency). This premature translational stop signal has been observed in individual(s) with colon cancer (PMID: 26681312). ClinVar contains an entry for this variant (Variation ID: 127311). This variant is expected to disrupt the EB1 and HDLG binding sites, which mediate interactions with the cytoskeleton (PMID: 15311282, 17293347). While functional studies have not been performed to directly test the effect on APC protein function, this suggests that disruption of the C-terminal portion of the protein is functionally important. A different truncation (p.Tyr2645Lysfs*14) that lies downstream of this variant has been determined to be pathogenic (PMID: 9824584, 1316610, 27081525, 8381579, 22135120, Invitae). This suggests that deletion of this region of the APC protein is causative of disease. For these reasons, this variant has been classified as Pathogenic.

All of Us Research Program, National Institutes of Health
Classification: Pathogenic for Classic or attenuated familial adenomatous polyposis. Last evaluated: 2023-12-18. Review status: criteria provided, single submitter. Criteria: ACMG Guidelines, 2015. Collection method: clinical testing. Allele origin: germline. Inheritance: Autosomal dominant inheritance. Observed: 1 variant allele, 1 heterozygote.
Comment: This variant deletes 1 nucleotide in exon 16 of the APC gene, creating a frameshift and premature translation stop signal in the last coding exon. This mutant transcript is predicted to escape nonsense-mediated decay and be expressed as a truncated protein. Although functional studies have not been reported, this variant is expected to disrupt EB1 binding site, and HDLG-binding site, and NLS domains. This variant has been reported in individuals affected with colorectal cancer (PMID: 26681312) or breast cancer (PMID: 27153395). This variant has not been identified in the general population by the Genome Aggregation Database (gnomAD). Loss of APC function is a known mechanism of disease. Based on the available evidence, this variant is classified as Pathogenic.

This study involves interpretation of variants in research participants for the purpose of population health screening. Participant phenotype was not available at the time of variant classification. Additional details can be found in publication PMID: 35346344, PMCID: PMC8962531

Myriad Genetics, Inc.
Classification: Pathogenic for Familial adenomatous polyposis 1. Last evaluated: 2023-05-15. Review status: criteria provided, single submitter. Criteria: Myriad Autosomal Dominant, Autosomal Recessive and X-Linked Classification Criteria (2023). Collection method: clinical testing. Allele origin: unknown.
Comment: This variant is considered pathogenic. This variant creates a frameshift predicted to result in premature protein truncation.

Literature cited by the submitters: PubMed 26681312 (cited by Labcorp Genetics (formerly Invitae), Labcorp and All of Us Research Program, National Institutes of Health); PubMed 15311282 (cited by Labcorp Genetics (formerly Invitae), Labcorp); PubMed 17293347 (cited by Labcorp Genetics (formerly Invitae), Labcorp); PubMed 9824584 (cited by Labcorp Genetics (formerly Invitae), Labcorp); PubMed 1316610 (cited by Labcorp Genetics (formerly Invitae), Labcorp); PubMed 27081525 (cited by Labcorp Genetics (formerly Invitae), Labcorp); PubMed 8381579 (cited by Labcorp Genetics (formerly Invitae), Labcorp); PubMed 22135120 (cited by Labcorp Genetics (formerly Invitae), Labcorp); PubMed 27153395 (cited by All of Us Research Program, National Institutes of Health).

NM_000038.6(APC):c.6383del (p.Ala2128fs)

Gene: APC (APC regulator of Wnt signaling pathway; plus strand). Cytogenetic location: 5q22.2.
Variant type: Deletion.
Coding change: c.6383del on transcript NM_000038.6 (MANE Select); coding-DNA position 6383, one base deleted (C; older notation c.6383delC).
Protein change: p.Ala2128fs; shifts the reading frame from alanine 2128.
Molecular consequence: frameshift variant.
Genome position (GRCh38, 1-based): chr5:112,841,977, C deleted. VCF-style (leftmost placement, unchanged base first): chr5-112841976-GC-G. GRCh37 (hg19) VCF-style: chr5-112177673-GC-G.
Other names: c.6383delC (NM_000038.5); c.6383del, p.Ala2128fs (NM_001127510.3, NM_001354895.2); c.6329del, p.Ala2110fs (NM_001127511.3); c.6437del, p.Ala2146fs (NM_001354896.2); c.6413del, p.Ala2138fs (NM_001354897.2); c.6308del, p.Ala2103fs (NM_001354898.2); c.6299del, p.Ala2100fs (NM_001354899.2); c.6260del, p.Ala2087fs (NM_001354900.2); and 6 more; short protein forms A1845fs, A2103fs, A2128fs, A1968fs, A2037fs, A2069fs, A2138fs, A2146fs.
Identifiers: ClinVar variation 127311 (VCV000127311.19), dbSNP rs587779803, ClinGen allele CA011140.
Genomic context (GRCh38, chr5:112,841,976, plus strand): 5'-GCAAATTCCATAGTAAGTAGTTTACATCAAGCTGCTGCTGCTGCATGTTTATCTAGACAA[GC>G]TTCGTCTGATTCAGATTCCATCCTTTCCCTGAAATCAGGAATCTCTCTGGGATCACCATT-3'